The following is an entry in ClinVar:

ClinVar aggregate classification (germline): Uncertain significance (1 of 4 stars; one submission).

Conditions:
Inborn genetic diseases. Identifiers: MedGen C0950123, MeSH D030342.

gnomAD v4.1: 21 of 1,613,912 alleles (0.0013%); highest among the groups gnomAD compares: Non-Finnish European, 0.0018%; no homozygotes.

Submission:

Ambry Genetics
Classification: Uncertain significance for Inborn genetic diseases. Last evaluated: 2024-02-26. Review status: criteria provided, single submitter. Criteria: Ambry Variant Classification Scheme 2023. Collection method: clinical testing. Allele origin: germline.
Comment: The p.A807G variant (also known as c.2420C>G), located in coding exon 18 of the SLC12A6 gene, results from a C to G substitution at nucleotide position 2420. The alanine at codon 807 is replaced by glycine, an amino acid with similar properties. This amino acid position is conserved. In addition, the in silico prediction for this alteration is inconclusive. Based on the available evidence, the clinical significance of this alteration remains unclear.

NM_001365088.1(SLC12A6):c.2420C>G (p.Ala807Gly)

Gene: SLC12A6 (solute carrier family 12 member 6; minus strand). Cytogenetic location: 15q14.
Variant type: single nucleotide variant.
Coding change: c.2420C>G on transcript NM_001365088.1 (MANE Select); coding-DNA position 2420, C replaced by G.
Protein change: p.Ala807Gly; replaces alanine 807 with glycine.
Molecular consequence: missense variant.
Genome position (GRCh38, 1-based): chr15:34,240,677, G>C on the plus strand (C>G on the coding strand, the complement: SLC12A6 is on the minus strand). VCF-style: chr15-34240677-G-C. GRCh37 (hg19) VCF-style: chr15-34532878-G-C.
Other names: c.2243C>G, p.Ala748Gly (NM_001042494.2, NM_001042495.2); c.2393C>G, p.Ala798Gly (NM_001042496.2); c.2375C>G, p.Ala792Gly (NM_001042497.2); c.2267C>G, p.Ala756Gly (NM_005135.2); c.2420C>G, p.Ala807Gly (NM_133647.2); short protein forms A748G, A756G, A792G, A798G, A807G.
Identifiers: ClinVar variation 3229121 (VCV003229121.1), dbSNP rs1481710679, ClinGen allele CA391619574.